The following is an entry in ClinVar:

ClinVar aggregate classification (germline): Pathogenic (1 of 4 stars; one submission).

Conditions:
Neurofibromatosis, type 1 (NF1). Also called: Peripheral type neurofibromatosis; VON RECKLINGHAUSEN DISEASE; NEUROFIBROMATOSIS, TYPE I, SOMATIC; Neurofibromatosis, type I. Identifiers: Orphanet 636, MedGen C0027831, MONDO:0018975, OMIM 162200. Disease mechanism: loss of function.

Submission:

Labcorp Genetics (formerly Invitae), Labcorp
Classification: Pathogenic for Neurofibromatosis, type 1. Last evaluated: 2024-05-15. Review status: criteria provided, single submitter. Criteria: Invitae Variant Classification Sherloc (09022015). Collection method: clinical testing. Allele origin: germline.
Comment: This sequence change creates a premature translational stop signal (p.Arg2098Valfs*3) in the NF1 gene. It is expected to result in an absent or disrupted protein product. Loss-of-function variants in NF1 are known to be pathogenic (PMID: 10712197, 23913538). This variant is not present in population databases (gnomAD no frequency). This variant has not been reported in the literature in individuals affected with NF1-related conditions. For these reasons, this variant has been classified as Pathogenic.

Literature cited by the submitters: PubMed 10712197; PubMed 23913538.

NM_001042492.3(NF1):c.6354_6355insGTCCCTT (p.Arg2119delinsValProTer)

Gene: NF1 (neurofibromin 1; plus strand). Cytogenetic location: 17q11.2.
Variant type: Insertion.
Coding change: c.6354_6355insGTCCCTT on transcript NM_001042492.3 (MANE Select); coding-DNA positions 6354 to 6355, GTCCCTT inserted.
Protein change: p.Arg2119delinsValProTer.
Molecular consequence: nonsense. On other transcripts: frameshift variant (1).
Genome position: GRCh38 VCF-style: chr17-31336835-C-CTCCCTTG. GRCh37 (hg19) VCF-style: chr17-29663853-C-CTCCCTTG.
Other names: c.6291_6292insGTCCCTT, p.Arg2098Valfs (NM_000267.4).
Identifiers: ClinVar variation 3653457 (VCV003653457.2).